The following is an entry in ClinVar:

NM_000133.4(F9):c.392-7_392-4del

Gene: F9 (coagulation factor IX; plus strand). Cytogenetic location: Xq27.1.
Variant type: Deletion.
Coding change: c.392-7_392-4del on transcript NM_000133.4 (MANE Select); 7 bases into the intron before coding-DNA position 392 through 4 bases into the intron before coding-DNA position 392, 4 bases deleted (CTTT; older notation c.392-7_392-4delCTTT).
Molecular consequence: intron variant.
Genome position (GRCh38, 1-based): chrX:139,548,356-139,548,359, CTTT deleted; deleting any 4 consecutive bases within chrX:139,548,354-139,548,359 gives the same sequence; the c. name uses the placement nearest the transcript's 3' end. VCF-style (leftmost placement, unchanged base first): chrX-139548353-CTTCT-C. GRCh37 (hg19) VCF-style: chrX-138630512-CTTCT-C.
Other names: c.278-7_278-4del (NM_001313913.2).
Identifiers: ClinVar variation 1439880 (VCV001439880.7), dbSNP rs2148361119, ClinGen allele CA2573159262.

ClinVar aggregate classification (germline): Uncertain significance. Review status: criteria provided, multiple submitters, no conflicts (2 of 4 stars). 2 submissions from 2 submitters: Uncertain significance (2). Last evaluated 2022-06-10.

Conditions:
Hereditary factor IX deficiency disease (HEMB). Also called: F9 DEFICIENCY; FACTOR IX DEFICIENCY; Christmas Disease; PLASMA THROMBOPLASTIN COMPONENT DEFICIENCY; Hemophilia B. Identifiers: Orphanet 98879, MedGen C0008533, MeSH D002836, MONDO:0010604, OMIM 306900.
Thrombophilia, X-linked, due to factor 9 defect. Identifiers: MedGen C2749016, MONDO:0010432, OMIM 300807.

Submissions (2):

Women's Health and Genetics/Laboratory Corporation of America, LabCorp
Classification: Uncertain significance. Last evaluated: 2022-06-10. Review status: criteria provided, single submitter. Criteria: LabCorp Variant Classification Summary - May 2015. Collection method: clinical testing. Allele origin: germline.
Comment: Variant summary: F9 c.392-7_392-4delCTTT alters a non-conserved nucleotide located close to a canonical splice site and therefore could affect mRNA splicing, leading to a significantly altered protein sequence. The variant was absent in 183002 control chromosomes (gnomAD). The available data on variant occurrences in the general population are insufficient to allow any conclusion about variant significance. c.392-7_392-4delCTTT has been reported in the literature in at-least one individual affected with Factor IX Deficiency (Hemophilia B) (example: Koeberl_1989). This variant is also known as 17662delCTTT or 17660-3delTTCT. These data do not allow any conclusion about variant significance. To our knowledge, no experimental evidence demonstrating an impact on protein function has been reported. One clinical diagnostic laboratory has submitted clinical-significance assessments for this variant to ClinVar after 2014 and classified the variant as uncertain significance. Based on the evidence outlined above, the variant was classified as uncertain significance.

Labcorp Genetics (formerly Invitae), Labcorp
Classification: Uncertain significance for Thrombophilia, X-linked, due to factor 9 defect; Hereditary factor IX deficiency disease. Last evaluated: 2021-11-21. Review status: criteria provided, single submitter. Criteria: Invitae Variant Classification Sherloc (09022015). Collection method: clinical testing. Allele origin: germline.
Comment: This variant is also known as 17662delCTTT or 17660-3delTTCT. This variant has been observed in individuals with hemophilia B (PMID: 2773937; Invitae). This variant is not present in population databases (gnomAD no frequency). This sequence change falls in intron 4 of the F9 gene. It does not directly change the encoded amino acid sequence of the F9 protein. Algorithms developed to predict the effect of sequence changes on RNA splicing suggest that this variant is not likely to affect RNA splicing. In summary, the available evidence is currently insufficient to determine the role of this variant in disease. Therefore, it has been classified as a Variant of Uncertain Significance.

Literature cited by the submitters: PubMed 2773937 (cited by Women's Health and Genetics/Laboratory Corporation of America, LabCorp and Labcorp Genetics (formerly Invitae), Labcorp).